The following is an entry in ClinVar:

ClinVar aggregate classification (germline): Uncertain significance (1 of 4 stars; one submission).

Submission:

GeneDx
Classification: Uncertain significance. Last evaluated: 2023-01-26. Review status: criteria provided, single submitter. Criteria: GeneDx Variant Classification Process June 2021. Collection method: clinical testing. Allele origin: germline. Affected: yes.
Comment: Not observed at significant frequency in large population cohorts (gnomAD); In silico analysis supports that this missense variant has a deleterious effect on protein structure/function; Has not been previously published as pathogenic or benign to our knowledge

NM_000516.7(GNAS):c.605T>C (p.Val202Ala)

Gene: GNAS (GNAS complex locus; plus strand). Cytogenetic location: 20q13.32.
Variant type: single nucleotide variant.
Coding change: c.605T>C on transcript NM_000516.7 (MANE Select); coding-DNA position 605, T replaced by C.
Protein change: p.Val202Ala; replaces valine 202 with alanine.
Molecular consequence: missense variant. On other transcripts: 3 prime UTR variant (2).
Genome position (GRCh38, 1-based): chr20:58,909,369, T>C. VCF-style: chr20-58909369-T-C. GRCh37 (hg19) VCF-style: chr20-57484424-T-C.
Other names: c.608T>C, p.Val203Ala (NM_001077488.5); c.560T>C, p.Val187Ala (NM_001077489.4); c.*466T>C (NM_001077490.3); c.428T>C, p.Val143Ala (NM_001309840.2, NM_001309861.2); c.509T>C, p.Val170Ala (NM_001410912.1); c.2489T>C, p.Val830Ala (NM_001410913.1); c.*511T>C (NM_016592.5); c.2534T>C, p.Val845Ala (NM_080425.4); and 1 more; short protein forms V143A, V170A, V187A, V188A, V202A, V203A, V830A, V845A.
Identifiers: ClinVar variation 2574343 (VCV002574343.1), dbSNP rs2146270866, ClinGen allele CA409452118.
Genomic context (GRCh38, chr20:58,909,369, plus strand): 5'-GTTGGCTTTGGTGAGATCCATTGACCTCAATTTTGTTTCAGGACCTGCTTCGCTGCCGTG[T>C]CCTGACTTCTGGAATCTTTGAGACCAAGTTCCAGGTGGACAAAGTCAACTTCCAGTAAGC-3'
Protein context (NP_000507.1, residues 192-212): PSDQDLLRCR[Val202Ala]LTSGIFETKF